The following is an entry in ClinVar:

NM_001267550.2(TTN):c.101090A>C (p.Lys33697Thr)

Genes: TTN (titin; minus strand), TTN-AS1 (TTN antisense RNA 1; plus strand). Cytogenetic location: 2q31.2.
Variant type: single nucleotide variant.
Coding change: c.101090A>C on transcript NM_001267550.2 (MANE Select); coding-DNA position 101090, A replaced by C.
Protein change: p.Lys33697Thr; replaces lysine 33697 with threonine.
Molecular consequence: missense variant.
Genome position (GRCh38, 1-based): chr2:178,535,525, T>G on the plus strand (A>C on the coding strand, the complement: TTN is on the minus strand). VCF-style: chr2-178535525-T-G. GRCh37 (hg19) VCF-style: chr2-179400252-T-G.
Other names: c.96167A>C, p.Lys32056Thr (NM_001256850.1); c.73895A>C, p.Lys24632Thr (NM_003319.4); c.93386A>C, p.Lys31129Thr (NM_133378.4); c.74270A>C, p.Lys24757Thr (NM_133432.3); c.74471A>C, p.Lys24824Thr (NM_133437.4); short protein forms K24757T, K24824T, K33697T, K31129T, K24632T, K32056T.
Identifiers: ClinVar variation 854580 (VCV000854580.9), dbSNP rs1691033741, ClinGen allele CA349421767.

ClinVar aggregate classification (germline): Uncertain significance. Review status: criteria provided, multiple submitters, no conflicts (2 of 4 stars). 2 submissions from 2 submitters: Uncertain significance (2). Last evaluated 2022-06-04.

Conditions:
Dilated cardiomyopathy 1G (CMD1G). Identifiers: Orphanet 154, MedGen C1858763, MONDO:0011400, OMIM 604145.
Autosomal recessive limb-girdle muscular dystrophy type 2J (LGMDR10). Also called: MUSCULAR DYSTROPHY, LIMB-GIRDLE, AUTOSOMAL RECESSIVE 10; Limb-girdle muscular dystrophy, type 2J. Identifiers: Orphanet 140922, MedGen C1837342, MONDO:0012127, OMIM 608807.

Allele frequency attached by ClinVar (database versions not stated): gnomAD exomes below 0.00001.
gnomAD v4.1: 1 of 1,613,896 alleles (0.000062%); highest among the groups gnomAD compares: Non-Finnish European, 0.000085%; no homozygotes.

Submissions (2):

Labcorp Genetics (formerly Invitae), Labcorp
Classification: Uncertain significance for Dilated cardiomyopathy 1G; Autosomal recessive limb-girdle muscular dystrophy type 2J. Last evaluated: 2022-06-04. Review status: criteria provided, single submitter. Criteria: Invitae Variant Classification Sherloc (09022015). Collection method: clinical testing. Allele origin: germline.
Comment: This sequence change replaces lysine, which is basic and polar, with threonine, which is neutral and polar, at codon 33697 of the TTN protein (p.Lys33697Thr). This variant is not present in population databases (gnomAD no frequency). This variant has not been reported in the literature in individuals affected with TTN-related conditions. ClinVar contains an entry for this variant (Variation ID: 854580). Experimental studies and prediction algorithms are not available or were not evaluated, and the functional significance of this variant is currently unknown. This variant is located in the M band of TTN (PMID: 25589632). Variants in this region may be relevant for neuromuscular disorders, but have not been definitively shown to cause cardiomyopathy (PMID: 23975875). In summary, the available evidence is currently insufficient to determine the role of this variant in disease. Therefore, it has been classified as a Variant of Uncertain Significance.

Revvity Omics, Revvity
Classification: Uncertain significance. Last evaluated: 2021-09-28. Review status: criteria provided, single submitter. Criteria: ACMG Guidelines, 2015. Collection method: clinical testing. Allele origin: germline.

Literature cited by the submitters: PubMed 25589632 (cited by Labcorp Genetics (formerly Invitae), Labcorp); PubMed 23975875 (cited by Labcorp Genetics (formerly Invitae), Labcorp).